The following is an entry in ClinVar:

ClinVar aggregate classification (germline): Likely pathogenic. Review status: criteria provided, single submitter (1 of 4 stars). 2 submissions from 2 submitters: Likely pathogenic (1). 1 of the submissions does not count toward it. Last evaluated 2022-11-10.

Conditions:
RPGR-related disorder. Also called: RPGR-related condition.

Submissions (2):

Blueprint Genetics
Classification: Likely pathogenic for RPGR-related disorders. Last evaluated: 2022-11-10. Review status: criteria provided, single submitter. Criteria: ACMG Guidelines, 2015. Collection method: clinical testing. Allele origin: germline. Affected: yes. Observed: 2 variant alleles.

PreventionGenetics, part of Exact Sciences
Classification: Likely pathogenic for RPGR-related condition. Last evaluated: 2024-08-22. Review status: no assertion criteria provided. Collection method: clinical testing. Allele origin: germline. Not counted in ClinVar's aggregate classification.
Comment: The RPGR c.293A>G variant is predicted to result in the amino acid substitution p.His98Arg. This variant has been reported in the hemizygous state in individuals with retinitis pigmentosa (Table S2, Liu et al. 2022. PubMed ID: 35432464; Table S3, Li. 2023. PubMed ID: 36729443). Alternate substitutions of this amino acid residue (p.His98Gln and p.His98Asn) have also been reported in individuals with retinitis pigmentosa (Meindl et al. 1996. PubMed ID: 8673101; Yang et al. 2021. PubMed ID: 34745198) This variant is absent in the large population database gnomAD, indicating this variant is rare. Given the evidence, we interpret this variant as likely pathogenic.

NM_001034853.2(RPGR):c.293A>G (p.His98Arg)

Gene: RPGR (retinitis pigmentosa GTPase regulator; minus strand). Cytogenetic location: Xp11.4.
Variant type: single nucleotide variant.
Coding change: c.293A>G on transcript NM_001034853.2 (MANE Select); coding-DNA position 293, A replaced by G.
Protein change: p.His98Arg; replaces histidine 98 with arginine.
Molecular consequence: missense variant. On other transcripts: non-coding transcript variant (6).
Genome position (GRCh38, 1-based): chrX:38,321,044, T>C on the plus strand (A>G on the coding strand, the complement: RPGR is on the minus strand). VCF-style: chrX-38321044-T-C. GRCh37 (hg19) VCF-style: chrX-38180297-T-C.
Other names: c.293A>G, p.His98Arg (NM_000328.3, NM_001367245.1, NM_001367246.1 and 4 more transcripts); c.323A>G, p.His108Arg (NM_001367248.1); short protein forms H108R, H98R.
Identifiers: ClinVar variation 3344160 (VCV003344160.2).